The following is an entry in ClinVar:

NM_000359.3(TGM1):c.450CCT[2] (p.Leu153del)

Gene: TGM1 (transglutaminase 1; minus strand). Cytogenetic location: 14q12.
Variant type: Microsatellite.
Coding change: c.450CCT[2] on transcript NM_000359.3 (MANE Select); two copies in a row of the 3-base unit CCT starting at c.450; the reference has three copies in a row; one copy, 3 bases deleted; also written c.456_458del.
Protein change: p.Leu153del; deletes leucine 153.
Molecular consequence: inframe deletion.
Genome position (GRCh38, 1-based): chr14:24,261,745-24,261,747, AGG deleted on the plus strand (CCT on the coding strand, the reverse complement: TGM1 is on the minus strand); deleting any 3 consecutive bases within chr14:24,261,745-24,261,755 gives the same sequence; the position shown is the placement nearest the transcript's 3' end. VCF-style (leftmost placement, unchanged base first): chr14-24261744-CAGG-C. GRCh37 (hg19) VCF-style: chr14-24730950-CAGG-C.
Other names: c.456_458del (NM_000359.3); c.456_458delCCT (NM_000359.3); short protein forms L153del.
Identifiers: ClinVar variation 1187841 (VCV001187841.10), dbSNP rs746008257, ClinGen allele CA7131408.

ClinVar aggregate classification (germline): Likely pathogenic. Review status: criteria provided, multiple submitters, no conflicts (2 of 4 stars). 4 submissions from 4 submitters: Likely pathogenic (4). Last evaluated 2025-10-01.

Conditions:
Autosomal recessive congenital ichthyosis 1 (LI1). Also called: COLLODION FETUS; DESQUAMATION OF NEWBORN; ICHTHYOSIS CONGENITA; ICHTHYOSIS CONGENITA II; LAMELLAR EXFOLIATION OF NEWBORN; ICHTHYOSIS, CONGENITAL, AUTOSOMAL RECESSIVE 1, WITH BATHING SUIT DISTRIBUTION. Identifiers: MedGen C4551630, MONDO:0009441, OMIM 242300.
Lamellar ichthyosis. Identifiers: Orphanet 313, MedGen C5848247, MONDO:0017778.

Submissions (4):

Natera, Inc.
Classification: Likely pathogenic for Autosomal recessive congenital ichthyosis type 1. Last evaluated: 2025-10-01. Review status: criteria provided, single submitter. Criteria: Natera Variant Classification Schema (03/2026). Collection method: clinical testing. Allele origin: germline.
Comment: The c.456_458delCCT variant in TGM1 is an in-frame deletion predicted to remove leucine at amino acid 153 while preserving the reading frame. This variant is rare in the general population with a frequency below the threshold expected for the associated phenotype(s). This variant has been observed in one or more individuals affected with the associated recessive disease, as either homozygous or compound heterozygous with a second variant (PMID: 37823494). This variant has been identified in one or more affected individuals with a phenotype highly consistent with the associated gene (PMID: 37823494). This variant is observed in a repetitive region. Given the available evidence, this variant is classified as Likely Pathogenic.

Women's Health and Genetics/Laboratory Corporation of America, LabCorp
Classification: Likely pathogenic for Lamellar ichthyosis. Last evaluated: 2025-07-03. Review status: criteria provided, single submitter. Criteria: LabCorp Variant Classification Summary - May 2015. Collection method: clinical testing. Allele origin: germline.
Comment: Variant summary: TGM1 c.456_458delCCT (p.Leu153del) results in an in-frame deletion that is predicted to remove one amino acid from the encoded protein. The variant allele was found at a frequency of 8e-06 in 251446 control chromosomes. c.456_458delCCT has been observed in individuals affected with Lamellar Ichthyosis (example: Deng_2023, Simpson_2020, internal data). These data indicate that the variant is likely to be associated with disease. To our knowledge, no experimental evidence demonstrating an impact on protein function has been reported. The following publications have been ascertained in the context of this evaluation (PMID: 31168818, 34851365, 36676727, 37823494). ClinVar contains an entry for this variant (Variation ID: 1187841). Based on the evidence outlined above, the variant was classified as likely pathogenic.

Labcorp Genetics (formerly Invitae), Labcorp
Classification: Likely pathogenic. Last evaluated: 2024-09-27. Review status: criteria provided, single submitter. Criteria: Invitae Variant Classification Sherloc (09022015). Collection method: clinical testing. Allele origin: germline.
Comment: This variant, c.456_458del, results in the deletion of 1 amino acid(s) of the TGM1 protein (p.Leu153del), but otherwise preserves the integrity of the reading frame. This variant is present in population databases (rs746008257, gnomAD 0.006%). This variant has been observed in individual(s) with bathing suit icthyosis and/or congenital ichthyosis (PMID: 31168818; internal data). In at least one individual the data is consistent with being in trans (on the opposite chromosome) from a pathogenic variant. ClinVar contains an entry for this variant (Variation ID: 1187841). Experimental studies and prediction algorithms are not available or were not evaluated, and the functional significance of this variant is currently unknown. In summary, the currently available evidence indicates that the variant is pathogenic, but additional data are needed to prove that conclusively. Therefore, this variant has been classified as Likely Pathogenic.

GeneDx
Classification: Likely pathogenic. Last evaluated: 2019-09-23. Review status: criteria provided, single submitter. Criteria: GeneDx Variant Classification Process June 2021. Collection method: clinical testing. Allele origin: germline. Affected: yes.
Comment: In-frame deletion of 1 amino acid in a non-repeat region; Not observed at a significant frequency in large population cohorts (Lek et al., 2016); In silico analysis, which includes protein predictors and evolutionary conservation, supports a deleterious effect; Has not been previously published as pathogenic or benign to our knowledge; This variant is associated with the following publications: (PMID: 31168818)

Literature cited by the submitters: PubMed 37823494 (cited by Natera, Inc. and Women's Health and Genetics/Laboratory Corporation of America, LabCorp); PubMed 31168818 (cited by Women's Health and Genetics/Laboratory Corporation of America, LabCorp and Labcorp Genetics (formerly Invitae), Labcorp); PubMed 34851365 (cited by Women's Health and Genetics/Laboratory Corporation of America, LabCorp); PubMed 36676727 (cited by Women's Health and Genetics/Laboratory Corporation of America, LabCorp).